The following is an entry in ClinVar:

NM_001160148.2(DDHD1):c.1378A>C (p.Lys460Gln)

Gene: DDHD1 (DDHD domain containing 1; minus strand). Cytogenetic location: 14q22.1.
Variant type: single nucleotide variant.
Coding change: c.1378A>C on transcript NM_001160148.2 (MANE Select); coding-DNA position 1378, A replaced by C.
Protein change: p.Lys460Gln; replaces lysine 460 with glutamine.
Molecular consequence: missense variant.
Genome position (GRCh38, 1-based): chr14:53,073,759, T>G on the plus strand (A>C on the coding strand, the complement: DDHD1 is on the minus strand). VCF-style: chr14-53073759-T-G. GRCh37 (hg19) VCF-style: chr14-53540477-T-G.
Other names: p.Lys467Gln; c.1399A>C, p.Lys467Gln (NM_001160147.2); c.1378A>C, p.Lys460Gln (NM_030637.3); c.1378A>C (NM_001160148.1); short protein forms K460Q, K467Q.
Identifiers: ClinVar variation 2075228 (VCV002075228.6), dbSNP rs775155578, ClinGen allele CA7191258.

ClinVar aggregate classification (germline): Uncertain significance. Review status: criteria provided, multiple submitters, no conflicts (2 of 4 stars). 3 submissions from 3 submitters: Uncertain significance (3). Last evaluated 2023-05-22.

Conditions:
Inborn genetic diseases. Identifiers: MedGen C0950123, MeSH D030342.
Hereditary spastic paraplegia 28. Also called: Spastic paraplegia 28, autosomal recessive. Identifiers: Orphanet 101008, MedGen C1836295, MONDO:0012256, OMIM 609340.

Allele frequency attached by ClinVar (database versions not stated): ExAC 0.00001; TOPMed 0.00002; gnomAD 0.00001.
gnomAD v4.1: 8 of 1,608,692 alleles (0.0005%); highest among the groups gnomAD compares: Admixed American, 0.01%; no homozygotes.

Submissions (3):

Labcorp Genetics (formerly Invitae), Labcorp
Classification: Uncertain significance for Hereditary spastic paraplegia 28. Last evaluated: 2023-05-22. Review status: criteria provided, single submitter. Criteria: Invitae Variant Classification Sherloc (09022015). Collection method: clinical testing. Allele origin: germline.
Comment: In summary, the available evidence is currently insufficient to determine the role of this variant in disease. Therefore, it has been classified as a Variant of Uncertain Significance. Advanced modeling of protein sequence and biophysical properties (such as structural, functional, and spatial information, amino acid conservation, physicochemical variation, residue mobility, and thermodynamic stability) performed at Invitae indicates that this missense variant is not expected to disrupt DDHD1 protein function. ClinVar contains an entry for this variant (Variation ID: 2075228). This variant has not been reported in the literature in individuals affected with DDHD1-related conditions. The frequency data for this variant in the population databases is considered unreliable, as metrics indicate poor data quality at this position in the gnomAD database. This sequence change replaces lysine, which is basic and polar, with glutamine, which is neutral and polar, at codon 467 of the DDHD1 protein (p.Lys467Gln).

Mayo Clinic Laboratories, Mayo Clinic
Classification: Uncertain significance. Last evaluated: 2023-01-26. Review status: criteria provided, single submitter. Criteria: ACMG Guidelines, 2015. Collection method: clinical testing. Allele origin: germline. Observed: 1 variant allele.
Comment: BP4, PM2

Ambry Genetics
Classification: Uncertain significance for Inborn genetic diseases. Last evaluated: 2021-12-08. Review status: criteria provided, single submitter. Criteria: Ambry Variant Classification Scheme 2023. Collection method: clinical testing. Allele origin: germline.